The following is an entry in ClinVar:

NM_000642.3(AGL):c.1049T>C (p.Met350Thr)

Gene: AGL (amylo-alpha-1,6-glucosidase and 4-alpha-glucanotransferase; plus strand). Cytogenetic location: 1p21.2.
Variant type: single nucleotide variant.
Coding change: c.1049T>C on transcript NM_000642.3 (MANE Select); coding-DNA position 1049, T replaced by C.
Protein change: p.Met350Thr; replaces methionine 350 with threonine.
Molecular consequence: missense variant.
Genome position (GRCh38, 1-based): chr1:99,874,777, T>C. VCF-style: chr1-99874777-T-C. GRCh37 (hg19) VCF-style: chr1-100340333-T-C.
Other names: c.1049T>C (NM_000642.2); c.1049T>C, p.Met350Thr (NM_000028.3, NM_000643.3, NM_000644.3 and 3 more transcripts); c.1001T>C, p.Met334Thr (NM_000646.3); c.845T>C, p.Met282Thr (NM_001425328.1, NM_001425329.1); c.671T>C, p.Met224Thr (NM_001425332.1); short protein forms M334T, M350T, M224T, M282T.
Identifiers: ClinVar variation 1434374 (VCV001434374.6), dbSNP rs761122742, ClinGen allele CA966357.

ClinVar aggregate classification (germline): Uncertain significance. Review status: criteria provided, multiple submitters, no conflicts (2 of 4 stars). 4 submissions from 4 submitters: Uncertain significance (4). Last evaluated 2024-11-11.

Conditions:
Glycogen storage disease type III (GSD3). Also called: FORBES DISEASE; Cori disease. Identifiers: Orphanet 366, MedGen C0017922, MONDO:0009291, OMIM 232400.
Inborn genetic diseases. Identifiers: MedGen C0950123, MeSH D030342.

Allele frequency attached by ClinVar (database versions not stated): ExAC 0.00002; gnomAD exomes 0.00004; TOPMed 0.00004.
gnomAD v4.1: 35 of 1,613,824 alleles (0.0022%); highest among the groups gnomAD compares: South Asian, 0.019%; no homozygotes.

Submissions (4):

Labcorp Genetics (formerly Invitae), Labcorp
Classification: Uncertain significance for Glycogen storage disease type III. Last evaluated: 2024-11-11. Review status: criteria provided, single submitter. Criteria: Invitae Variant Classification Sherloc (09022015). Collection method: clinical testing. Allele origin: germline.
Comment: This sequence change replaces methionine, which is neutral and non-polar, with threonine, which is neutral and polar, at codon 350 of the AGL protein (p.Met350Thr). The frequency data for this variant in the population databases is considered unreliable, as metrics indicate poor data quality at this position in the gnomAD database. This variant has not been reported in the literature in individuals affected with AGL-related conditions. ClinVar contains an entry for this variant (Variation ID: 1434374). Invitae Evidence Modeling of protein sequence and biophysical properties (such as structural, functional, and spatial information, amino acid conservation, physicochemical variation, residue mobility, and thermodynamic stability) indicates that this missense variant is not expected to disrupt AGL protein function with a negative predictive value of 80%. In summary, the available evidence is currently insufficient to determine the role of this variant in disease. Therefore, it has been classified as a Variant of Uncertain Significance.

Genome-Nilou Lab
Classification: Uncertain significance for Glycogen storage disease type III. Last evaluated: 2023-04-11. Review status: criteria provided, single submitter. Criteria: ACMG Guidelines, 2015. Collection method: clinical testing. Allele origin: germline. Affected: no.

Fulgent Genetics
Classification: Uncertain significance for Glycogen storage disease type III. Last evaluated: 2022-05-19. Review status: criteria provided, single submitter. Criteria: ACMG Guidelines, 2015. Collection method: clinical testing. Allele origin: unknown.

Ambry Genetics
Classification: Uncertain significance for Inborn genetic diseases. Last evaluated: 2021-08-12. Review status: criteria provided, single submitter. Criteria: Ambry Variant Classification Scheme 2023. Collection method: clinical testing. Allele origin: germline.